The following is an entry in ClinVar:

ClinVar aggregate classification (germline): Uncertain significance (1 of 4 stars; one submission).

Conditions:
Cutis laxa, autosomal dominant 3 (ADCL3). Identifiers: Orphanet 90348, MedGen C4225268, MONDO:0014706, OMIM 616603.
Autosomal dominant spastic paraplegia type 9. Identifiers: MedGen C1832669, MONDO:0015091.
de Barsy syndrome. Also called: Cutis laxa-corneal clouding-oligophrenia syndrome. Identifiers: Orphanet 2962, MedGen C0268354, MONDO:0017569.

Submission:

Labcorp Genetics (formerly Invitae), Labcorp
Classification: Uncertain significance for Autosomal dominant spastic paraplegia type 9; de Barsy syndrome; Cutis laxa, autosomal dominant 3. Last evaluated: 2023-05-20. Review status: criteria provided, single submitter. Criteria: Invitae Variant Classification Sherloc (09022015). Collection method: clinical testing. Allele origin: germline.
Comment: In summary, the available evidence is currently insufficient to determine the role of this variant in disease. Therefore, it has been classified as a Variant of Uncertain Significance. An algorithm developed to predict the effect of missense changes on protein structure and function (PolyPhen-2) suggests that this variant is likely to be tolerated. This variant has not been reported in the literature in individuals affected with ALDH18A1-related conditions. This variant is not present in population databases (gnomAD no frequency). This sequence change replaces proline, which is neutral and non-polar, with leucine, which is neutral and non-polar, at codon 52 of the ALDH18A1 protein (p.Pro52Leu).

NM_002860.4(ALDH18A1):c.155C>T (p.Pro52Leu)

Gene: ALDH18A1 (aldehyde dehydrogenase 18 family member A1; minus strand). Cytogenetic location: 10q24.1.
Variant type: single nucleotide variant.
Coding change: c.155C>T on transcript NM_002860.4 (MANE Select); coding-DNA position 155, C replaced by T.
Protein change: p.Pro52Leu; replaces proline 52 with leucine.
Molecular consequence: missense variant. On other transcripts: intron variant (4).
Genome position (GRCh38, 1-based): chr10:95,643,140, G>A on the plus strand (C>T on the coding strand, the complement: ALDH18A1 is on the minus strand). VCF-style: chr10-95643140-G-A. GRCh37 (hg19) VCF-style: chr10-97402897-G-A.
Other names: c.155C>T, p.Pro52Leu (NM_001017423.2, NM_001323413.2, NM_001323414.2 and 2 more transcripts); c.-78-9491C>T (NM_001323419.2); c.-30-5704C>T (NM_001323412.2, NM_001323418.2, NM_001323416.2); short protein forms P52L.
Identifiers: ClinVar variation 2948012 (VCV002948012.3), dbSNP rs140745368, ClinGen allele CA211805343.
Genomic context (GRCh38, chr10:95,643,140, plus strand): 5'-CTCTTGGCATGCTTCAGCTCACTGCGGTGGGCGAAGGACTTGCCATGTGTACGACTGAGG[G>A]GTACAGTGATAAACGGGATGTTGCTCCAAGAACGAACATGTCTGATGACTGAAGGCTGGA-3'
Protein context (NP_002851.2, residues 42-62): SWSNIPFITV[Pro52Leu]LSRTHGKSFA